The following is an entry in ClinVar:

ClinVar aggregate classification (germline): Conflicting classifications of pathogenicity. Review status: criteria provided, conflicting classifications (1 of 4 stars). 4 submissions from 4 submitters: Uncertain significance (2); Likely benign (2). Last evaluated 2026-01-18.

Conditions:
Connective tissue disorder. Also called: Connective tissue disease. Identifiers: MedGen C0009782, MONDO:0003900.
Spondyloepimetaphyseal dysplasia-short limb-abnormal calcification syndrome (SMED-SL). Also called: SMED, TYPE II; SMED-SL/AC; SMED short limb-hand type; SMED type 2; Spondylometaepiphyseal dysplasia short limb-abnormal calcification type; Smed short limb-abnormal calcification type. Identifiers: Orphanet 93358, MedGen C1849011, MONDO:0010077, OMIM 271665.

Allele frequency attached by ClinVar (database versions not stated): TOPMed 0.00013; gnomAD 0.00015 and 0.00021; 1000 Genomes Project 0.00180; 1000 Genomes Project 30x 0.00219.
gnomAD v4.1: 228 of 1,614,202 alleles (0.014%); highest among the groups gnomAD compares: East Asian, 0.48%; 1 homozygote.

Submissions (4):

Labcorp Genetics (formerly Invitae), Labcorp
Classification: Likely benign. Last evaluated: 2026-01-18. Review status: criteria provided, single submitter. Criteria: Invitae Variant Classification Sherloc (09022015). Collection method: clinical testing. Allele origin: germline.

Women's Health and Genetics/Laboratory Corporation of America, LabCorp
Classification: Uncertain significance. Last evaluated: 2023-05-16. Review status: criteria provided, single submitter. Criteria: LabCorp Variant Classification Summary - May 2015. Collection method: clinical testing. Allele origin: germline.
Comment: Variant summary: DDR2 c.932G>A (p.Ser311Asn) results in a conservative amino acid change in the encoded protein sequence. Five of five in-silico tools predict a benign effect of the variant on protein function. The variant allele was found at a frequency of 0.00047 in 251234 control chromosomes (gnomAD). c.932G>A has been reported in the literature in an individual affected with Early-onset scoliosis (example: Zhao_2021). This report does not provide unequivocal conclusions about association of the variant with Spondyloepimetaphyseal dysplasia-short limb-abnormal calcification syndrome. To our knowledge, no experimental evidence demonstrating an impact on protein function has been reported. The following publication has been ascertained in the context of this evaluation (PMID: 32381727). Three clinical diagnostic laboratories have submitted clinical-significance assessments for this variant to ClinVar after 2014 and classified the variant as VUS (n=1) and likely benign (n=2). Based on the evidence outlined above, the variant was classified as uncertain significance.

Genome Diagnostics Laboratory, The Hospital for Sick Children
Classification: Likely benign for Connective tissue disorder. Last evaluated: 2022-07-04. Review status: criteria provided, single submitter. Criteria: ACMG Guidelines, 2015. Collection method: clinical testing. Allele origin: germline.

Illumina Laboratory Services, Illumina
Classification: Uncertain significance for Spondyloepimetaphyseal dysplasia-short limb-abnormal calcification syndrome. Last evaluated: 2018-01-13. Review status: criteria provided, single submitter. Criteria: ICSL Variant Classification Criteria 13 December 2019. Collection method: clinical testing. Allele origin: germline.

Literature cited by the submitters: PubMed 32381727 (cited by Women's Health and Genetics/Laboratory Corporation of America, LabCorp).

NM_006182.4(DDR2):c.932G>A (p.Ser311Asn)

Gene: DDR2 (discoidin domain receptor tyrosine kinase 2; plus strand). Cytogenetic location: 1q23.3.
Variant type: single nucleotide variant.
Coding change: c.932G>A on transcript NM_006182.4 (MANE Select); coding-DNA position 932, G replaced by A.
Protein change: p.Ser311Asn; replaces serine 311 with asparagine.
Molecular consequence: missense variant.
Genome position (GRCh38, 1-based): chr1:162,761,287, G>A. VCF-style: chr1-162761287-G-A. GRCh37 (hg19) VCF-style: chr1-162731077-G-A.
Other names: c.932G>A, p.Ser311Asn (LRG_1390t1, NM_001014796.3, NM_001354982.2 and 1 more transcripts); short protein forms S311N.
Identifiers: ClinVar variation 293376 (VCV000293376.17), dbSNP rs189870832, ClinGen allele CA1217382.